The following is an entry in ClinVar:

ClinVar aggregate classification (germline): Pathogenic (1 of 4 stars; one submission).

Conditions:
Ehlers-Danlos syndrome due to tenascin-X deficiency (EDSCLL1). Also called: EDS DUE TO TNX DEFICIENCY; TNX DEFICIENCY; Ehlers-Danlos syndrome, classic-like, 1; EHLERS-DANLOS SYNDROME, CLASSIC-LIKE; TNXB-Related Classical-Like Ehlers-Danlos Syndrome. Identifiers: Orphanet 230839, MedGen C1848029, MONDO:0011670, OMIM 606408.

Submission:

Myriad Genetics, Inc.
Classification: Pathogenic for Ehlers-Danlos syndrome due to tenascin-X deficiency. Last evaluated: 2025-08-06. Review status: criteria provided, single submitter. Criteria: Myriad Autosomal Dominant, Autosomal Recessive and X-Linked Classification Criteria (2023). Collection method: clinical testing. Allele origin: unknown.
Comment: NM_019105.6(TNXB):c.4691delC(P1564Hfs*17) is expected to be pathogenic in the context of classical-like Ehlers-Danlos syndrome, TNXB-related. This variant is predicted to lead to an abnormal or absent protein product due to the creation of a premature termination codon in TNXB, a gene where loss-of-function variants are known to be pathogenic. Please note: this variant was assessed in the context of healthy population screening.

NM_001365276.2(TNXB):c.4691del (p.Pro1564fs)

Gene: TNXB (tenascin XB; minus strand). Cytogenetic location: 6p21.33.
Variant type: Deletion.
Coding change: c.4691del on transcript NM_001365276.2 (MANE Select); coding-DNA position 4691, one base deleted (C; older notation c.4691delC).
Protein change: p.Pro1564fs; shifts the reading frame from proline 1564.
Molecular consequence: frameshift variant.
Genome position (GRCh38, 1-based): chr6:32,072,289, G deleted on the plus strand (C on the coding strand, the reverse complement: TNXB is on the minus strand); the first of 3 consecutive G bases (chr6:32,072,289-32,072,291); deleting any one gives the same sequence. VCF-style (leftmost placement, unchanged base first): chr6-32072288-TG-T. GRCh37 (hg19) VCF-style: chr6-32040065-TG-T.
Other names: c.5432del, p.Pro1811fs (NM_001428335.1); c.4691del, p.Pro1564fs (NM_019105.8); short protein forms P1564fs, P1811fs.
Identifiers: ClinVar variation 5014824 (VCV005014824.1).